The following is an entry in ClinVar:

ClinVar aggregate classification (germline): Pathogenic. Review status: criteria provided, multiple submitters, no conflicts (2 of 4 stars). 3 submissions from 3 submitters: Pathogenic (3). Last evaluated 2024-09-30.

Conditions:
Early-infantile DEE. Also called: Early infantile epileptic encephalopathy; Ohtahara syndrome; Early infantile epileptic encephalopathy with suppression bursts. Identifiers: Orphanet 1934, MedGen C0393706, MONDO:0800491.
Severe myoclonic epilepsy in infancy (DRVT). Also called: SEVERE MYOCLONIC EPILEPSY OF INFANCY; DEVELOPMENTAL AND EPILEPTIC ENCEPHALOPATHY 6A; Severe Myoclonic Epilepsy in Infancy (SMEI); Epileptic encephalopathy, early infantile, 6 (Dravet syndrome); Dravet syndrome. Identifiers: Orphanet 33069, MedGen C0751122, MONDO:0100135, OMIM 607208.

Submissions (3):

Labcorp Genetics (formerly Invitae), Labcorp
Classification: Pathogenic for Early-infantile DEE. Last evaluated: 2024-09-30. Review status: criteria provided, single submitter. Criteria: Invitae Variant Classification Sherloc (09022015). Collection method: clinical testing. Allele origin: germline.
Comment: This sequence change creates a premature translational stop signal (p.Gln1166*) in the SCN1A gene. It is expected to result in an absent or disrupted protein product. Loss-of-function variants in SCN1A are known to be pathogenic (PMID: 17347258, 18930999). This variant is not present in population databases (gnomAD no frequency). This premature translational stop signal has been observed in individual(s) with Dravet syndrome (PMID: 28012175). In at least one individual the variant was observed to be de novo. ClinVar contains an entry for this variant (Variation ID: 448252). For these reasons, this variant has been classified as Pathogenic.

Athena Diagnostics
Classification: Pathogenic. Last evaluated: 2023-05-10. Review status: criteria provided, single submitter. Criteria: Athena Diagnostics Criteria. Collection method: clinical testing. Allele origin: unknown.
Comment: This variant is expected to result in the loss of a functional protein. This variant was not reported in large, multi-ethnic, general populations.

Mendelics
Classification: Pathogenic for Severe myoclonic epilepsy in infancy. Last evaluated: 2019-05-28. Review status: criteria provided, single submitter. Criteria: Mendelics Assertion Criteria 2017. Collection method: clinical testing. Allele origin: unknown.

Literature cited by the submitters: PubMed 17347258 (cited by Labcorp Genetics (formerly Invitae), Labcorp); PubMed 18930999 (cited by Labcorp Genetics (formerly Invitae), Labcorp); PubMed 28012175 (cited by Labcorp Genetics (formerly Invitae), Labcorp and Athena Diagnostics).

NM_001165963.4(SCN1A):c.3496C>T (p.Gln1166Ter)

Genes: SCN1A (sodium voltage-gated channel alpha subunit 1; minus strand), LOC102724058 (uncharacterized LOC102724058; plus strand). Cytogenetic location: 2q24.3.
Variant type: single nucleotide variant.
Coding change: c.3496C>T on transcript NM_001165963.4 (MANE Select); coding-DNA position 3496, C replaced by T.
Protein change: p.Gln1166Ter; replaces glutamine 1166 with a stop codon.
Molecular consequence: nonsense. On other transcripts: non-coding transcript variant (2).
Genome position (GRCh38, 1-based): chr2:166,015,661, G>A on the plus strand (C>T on the coding strand, the complement: SCN1A is on the minus strand). VCF-style: chr2-166015661-G-A. GRCh37 (hg19) VCF-style: chr2-166872171-G-A.
Other names: c.3412C>T, p.Gln1138Ter (NM_001165964.3, NM_001353957.2, NM_001353958.2); c.3496C>T, p.Gln1166Ter (NM_001202435.3, NM_001353948.2); c.3463C>T, p.Gln1155Ter (NM_001353949.2, NM_001353950.2, NM_001353951.2 and 2 more transcripts); c.3460C>T, p.Gln1154Ter (NM_001353954.2, NM_001353955.2); c.3409C>T, p.Gln1137Ter (NM_001353960.2); c.1054C>T, p.Gln352Ter (NM_001353961.2); c.3496C>T (NM_001202435.1); short protein forms Q1155*, Q1166*, Q1154*, Q1137*, Q1138*, Q352*.
Identifiers: ClinVar variation 448252 (VCV000448252.10), dbSNP rs368609628, ClinGen allele CA349056701.